The following is an entry in ClinVar:

NM_133510.4(RAD51B):c.487T>C (p.Tyr163His)

Gene: RAD51B (RAD51 paralog B; plus strand). Cytogenetic location: 14q24.1.
Variant type: single nucleotide variant.
Coding change: c.487T>C on transcript NM_133510.4 (MANE Select); coding-DNA position 487, T replaced by C.
Protein change: p.Tyr163His; replaces tyrosine 163 with histidine.
Molecular consequence: missense variant.
Genome position (GRCh38, 1-based): chr14:67,885,903, T>C. VCF-style: chr14-67885903-T-C. GRCh37 (hg19) VCF-style: chr14-68352620-T-C.
Other names: c.487T>C, p.Tyr163His (NM_001321809.2, NM_001321810.2, NM_001321812.1 and 6 more transcripts); c.373T>C, p.Tyr125His (NM_001321815.1); c.130T>C, p.Tyr44His (NM_001321817.2); short protein forms Y163H, Y125H, Y44H.
Identifiers: ClinVar variation 3942271 (VCV003942271.1).

ClinVar aggregate classification (germline): Uncertain significance (1 of 4 stars; one submission).

Submission:

Ambry Genetics
Classification: Uncertain significance. Last evaluated: 2025-03-20. Review status: criteria provided, single submitter. Criteria: Ambry Variant Classification Scheme 2023. Collection method: clinical testing. Allele origin: germline.
Comment: The p.Y163H variant (also known as c.487T>C), located in coding exon 5 of the RAD51B gene, results from a T to C substitution at nucleotide position 487. The tyrosine at codon 163 is replaced by histidine, an amino acid with similar properties. This amino acid position is conserved. In addition, this alteration is predicted to be tolerated by in silico analysis. Based on the available evidence, the clinical significance of this variant remains unclear.